The following is an entry in ClinVar:

ClinVar aggregate classification (germline): Uncertain significance (1 of 4 stars; one submission).

Conditions:
Rhabdoid tumor predisposition syndrome 2 (RTPS2). Identifiers: Orphanet 231108, Orphanet 69077, MedGen C2750074, MONDO:0013224, OMIM 613325.

gnomAD v4.1: 1 of 1,613,840 alleles (0.000062%); highest among the groups gnomAD compares: South Asian, 0.0011%; no homozygotes.

Submission:

Labcorp Genetics (formerly Invitae), Labcorp
Classification: Uncertain significance for Rhabdoid tumor predisposition syndrome 2. Last evaluated: 2024-08-14. Review status: criteria provided, single submitter. Criteria: Invitae Variant Classification Sherloc (09022015). Collection method: clinical testing. Allele origin: germline.
Comment: This sequence change replaces histidine, which is basic and polar, with tyrosine, which is neutral and polar, at codon 1309 of the SMARCA4 protein (p.His1309Tyr). This variant is not present in population databases (gnomAD no frequency). This variant has not been reported in the literature in individuals affected with SMARCA4-related conditions. Invitae Evidence Modeling of protein sequence and biophysical properties (such as structural, functional, and spatial information, amino acid conservation, physicochemical variation, residue mobility, and thermodynamic stability) has been performed for this missense variant. However, the output from this modeling did not meet the statistical confidence thresholds required to predict the impact of this variant on SMARCA4 protein function. In summary, the available evidence is currently insufficient to determine the role of this variant in disease. Therefore, it has been classified as a Variant of Uncertain Significance.

NM_003072.5(SMARCA4):c.3925C>T (p.His1309Tyr)

Gene: SMARCA4 (SWI/SNF related BAF chromatin remodeling complex subunit ATPase 4; plus strand). Cytogenetic location: 19p13.2.
Variant type: single nucleotide variant.
Coding change: c.3925C>T on transcript NM_003072.5 (MANE Select); coding-DNA position 3925, C replaced by T.
Protein change: p.His1309Tyr; replaces histidine 1309 with tyrosine.
Molecular consequence: missense variant. On other transcripts: non-coding transcript variant (1).
Genome position (GRCh38, 1-based): chr19:11,034,174, C>T. VCF-style: chr19-11034174-C-T. GRCh37 (hg19) VCF-style: chr19-11144850-C-T.
Other names: c.3826C>T, p.His1276Tyr (NM_001411150.1, NM_001128845.2, NM_001128846.2 and 3 more transcripts); c.3925C>T, p.His1309Tyr (NM_001128844.3, NM_001128849.3, NM_001387283.1); short protein forms H1276Y, H1309Y.
Identifiers: ClinVar variation 3636885 (VCV003636885.2).
Genomic context (GRCh38, chr19:11,034,174, plus strand): 5'-ATCTTATAGGAGGAAGACGAGGTGCCCGACGACGAGACCGTCAACCAGATGATCGCCCGG[C>T]ACGAGGAGGAGTTTGATCTGTTCATGGTAAGCGCTGCAGGCTGGATGGGGCAGTTCAGGC-3'
Protein context (NP_003063.2, residues 1299-1319): DETVNQMIAR[His1309Tyr]EEEFDLFMRM